The following is an entry in ClinVar:

ClinVar aggregate classification (germline): Uncertain significance (1 of 4 stars; one submission).

Submission:

GeneDx
Classification: Uncertain significance. Last evaluated: 2023-06-08. Review status: criteria provided, single submitter. Criteria: GeneDx Variant Classification Process June 2021. Collection method: clinical testing. Allele origin: germline. Affected: yes.
Comment: Frameshift variant predicted to result in protein truncation or nonsense mediated decay in a gene or region of a gene for which loss of function is not a well-established mechanism of disease; Not observed at significant frequency in large population cohorts (gnomAD); Has not been previously published as pathogenic or benign to our knowledge

NM_020795.4(NLGN2):c.1307_1308del (p.Thr436fs)

Gene: NLGN2 (neuroligin 2; plus strand). Cytogenetic location: 17p13.1.
Variant type: Microsatellite.
Coding change: c.1307_1308del on transcript NM_020795.4 (MANE Select); coding-DNA positions 1307 to 1308, 2 bases deleted (CA; older notation c.1307_1308delCA).
Protein change: p.Thr436fs; shifts the reading frame from threonine 436.
Molecular consequence: frameshift variant.
Genome position (GRCh38, 1-based): chr17:7,415,780-7,415,781, CA deleted; deleting any 2 consecutive bases within chr17:7,415,777-7,415,781 gives the same sequence; the c. name uses the placement nearest the transcript's 3' end. VCF-style (leftmost placement, unchanged base first): chr17-7415776-TAC-T. GRCh37 (hg19) VCF-style: chr17-7319095-TAC-T.
Other names: short protein forms T436fs.
Identifiers: ClinVar variation 3359432 (VCV003359432.1).